The following is an entry in ClinVar:

NM_198252.3(GSN):c.841T>C (p.Phe281Leu)

Gene: GSN (gelsolin; plus strand). Cytogenetic location: 9q33.2.
Variant type: single nucleotide variant.
Coding change: c.841T>C on transcript NM_198252.3 (MANE Select); coding-DNA position 841, T replaced by C.
Protein change: p.Phe281Leu; replaces phenylalanine 281 with leucine.
Molecular consequence: missense variant.
Genome position (GRCh38, 1-based): chr9:121,317,173, T>C. VCF-style: chr9-121317173-T-C. GRCh37 (hg19) VCF-style: chr9-124079451-T-C.
Other names: c.994T>C, p.Phe332Leu (NM_000177.5); c.841T>C, p.Phe281Leu (NM_001127662.2, NM_001127664.2, NM_001127665.2 and 10 more transcripts); c.949T>C, p.Phe317Leu (NM_001127663.2); c.874T>C, p.Phe292Leu (NM_001127666.2, NM_001127667.2, NM_001353063.2 and 13 more transcripts); c.892T>C, p.Phe298Leu (NM_001258029.2); c.865T>C, p.Phe289Leu (NM_001258030.2); c.913T>C, p.Phe305Leu (NM_001353076.2); c.187T>C, p.Phe63Leu (NM_001353078.2); and 1 more; short protein forms F332L, F289L, F292L, F63L, F298L, F281L, F305L, F317L.
Identifiers: ClinVar variation 2993776 (VCV002993776.4), dbSNP rs142435036, ClinGen allele CA199409930.

ClinVar aggregate classification (germline): Uncertain significance. Review status: criteria provided, multiple submitters, no conflicts (2 of 4 stars). 2 submissions from 2 submitters: Uncertain significance (2). Last evaluated 2025-08-30.

Conditions:
Inborn genetic diseases. Identifiers: MedGen C0950123, MeSH D030342.

Allele frequency attached by ClinVar (database versions not stated): gnomAD exomes 0.00001; TOPMed 0.00001; ESP Exome Variant Server 0.00008.

Submissions (2):

Ambry Genetics
Classification: Uncertain significance for Inborn genetic diseases. Last evaluated: 2025-08-30. Review status: criteria provided, single submitter. Criteria: Ambry Variant Classification Scheme 2023. Collection method: clinical testing. Allele origin: germline.

Labcorp Genetics (formerly Invitae), Labcorp
Classification: Uncertain significance. Last evaluated: 2023-11-01. Review status: criteria provided, single submitter. Criteria: Invitae Variant Classification Sherloc (09022015). Collection method: clinical testing. Allele origin: germline.
Comment: This sequence change replaces phenylalanine, which is neutral and non-polar, with leucine, which is neutral and non-polar, at codon 332 of the GSN protein (p.Phe332Leu). This variant is not present in population databases (gnomAD no frequency). This variant has not been reported in the literature in individuals affected with GSN-related conditions. Advanced modeling of protein sequence and biophysical properties (such as structural, functional, and spatial information, amino acid conservation, physicochemical variation, residue mobility, and thermodynamic stability) performed at Invitae indicates that this missense variant is not expected to disrupt GSN protein function with a negative predictive value of 80%. In summary, the available evidence is currently insufficient to determine the role of this variant in disease. Therefore, it has been classified as a Variant of Uncertain Significance.